The following is an entry in ClinVar:

ClinVar aggregate classification (germline): Benign/Likely benign. Review status: criteria provided, multiple submitters, no conflicts (2 of 4 stars). 4 submissions from 4 submitters: Benign (1); Likely benign (3). Last evaluated 2025-07-07.

Conditions:
Hereditary cancer-predisposing syndrome. Also called: Tumor predisposition; Neoplastic Syndromes, Hereditary; Hereditary neoplastic syndrome; Hereditary Cancer Syndrome. Identifiers: Orphanet 140162, MedGen C0027672, MeSH D009386, MONDO:0015356.
Familial cancer of breast. Also called: Hereditary breast cancer; hereditary breast carcinoma; BREAST CANCER, FAMILIAL. Identifiers: Orphanet 227535, MedGen C0346153, MONDO:0016419, OMIM 114480. Disease mechanism: loss of function.

Submissions (4):

Labcorp Genetics (formerly Invitae), Labcorp
Classification: Likely benign for Familial cancer of breast. Last evaluated: 2025-07-07. Review status: criteria provided, single submitter. Criteria: Invitae Variant Classification Sherloc (09022015). Collection method: clinical testing. Allele origin: germline.

Myriad Genetics, Inc.
Classification: Benign for Familial cancer of breast. Last evaluated: 2025-01-10. Review status: criteria provided, single submitter. Criteria: Myriad Autosomal Dominant, Autosomal Recessive and X-Linked Classification Criteria (2023). Collection method: clinical testing. Allele origin: unknown.
Comment: This variant is considered benign. This variant is a silent/synonymous amino acid change and it is not expected to impact splicing.

Sema4
Classification: Likely benign for Hereditary cancer-predisposing syndrome. Last evaluated: 2021-05-06. Review status: criteria provided, single submitter. Criteria: Sema4 Curation Guidelines. Collection method: curation. Allele origin: germline.

Ambry Genetics
Classification: Likely benign for Hereditary cancer-predisposing syndrome. Last evaluated: 2021-02-09. Review status: criteria provided, single submitter. Criteria: Ambry Variant Classification Scheme 2023. Collection method: clinical testing. Allele origin: germline.

NM_024675.4(PALB2):c.291T>G (p.Ser97=)

Gene: PALB2 (partner and localizer of BRCA2; minus strand). Cytogenetic location: 16p12.2.
Variant type: single nucleotide variant.
Coding change: c.291T>G on transcript NM_024675.4 (MANE Select); coding-DNA position 291, T replaced by G.
Protein change: p.Ser97=; no amino-acid change (serine 97 retained).
Molecular consequence: synonymous variant.
Genome position (GRCh38, 1-based): chr16:23,636,255, A>C on the plus strand (T>G on the coding strand, the complement: PALB2 is on the minus strand). VCF-style: chr16-23636255-A-C. GRCh37 (hg19) VCF-style: chr16-23647576-A-C.
Identifiers: ClinVar variation 1148626 (VCV001148626.13), dbSNP rs2142446803, ClinGen allele CA494165674.
Genomic context (GRCh38, chr16:23,636,255, plus strand): 5'-AGGTAATCCTCCTGGGCCATCTCCAGGGTTAAAGGACTCAGGCCCAACATCAAGTGTGAT[A>C]GATGTCTTTTCTCCAGTTTCTTCATCAAGATGGGTTTTGATGTGTAACTTGTCATAAACA-3'
Protein context (NP_078951.2, residues 87-107): HLDEETGEKT[Ser97=]ITLDVGPESF